The following is an entry in ClinVar:

ClinVar aggregate classification (germline): Benign/Likely benign. Review status: criteria provided, multiple submitters, no conflicts (2 of 4 stars). 5 submissions from 5 submitters: Benign (4); Likely benign (1). Last evaluated 2026-01-27.

Conditions:
Long QT syndrome (LQTS). Identifiers: MedGen C0023976, MeSH D008133, MONDO:0002442. Disease mechanism: loss of function. Inheritance: Various modes of inheritance.
Cardiac arrhythmia, ankyrin-B-related. Also called: ANKYRIN-B SYNDROME. Identifiers: Orphanet 101016, Orphanet 768, MedGen C1970119, MONDO:0010958, OMIM 600919.

Allele frequency attached by ClinVar (database versions not stated): gnomAD 0.00004 and 0.00035; ESP Exome Variant Server 0.00008; TOPMed 0.00014; gnomAD exomes 0.00075 and 0.00130; 1000 Genomes Project 30x 0.00156; 1000 Genomes Project 0.00160; ExAC 0.00238.
gnomAD v4.1: 1,142 of 1,609,528 alleles (0.071%); highest among the groups gnomAD compares: South Asian, 0.96%; 5 homozygotes.

Submissions (5):

Labcorp Genetics (formerly Invitae), Labcorp
Classification: Benign for Long QT syndrome. Last evaluated: 2026-01-27. Review status: criteria provided, single submitter. Criteria: Invitae Variant Classification Sherloc (09022015). Collection method: clinical testing. Allele origin: germline.

Blueprint Genetics
Classification: Likely benign. Last evaluated: 2024-08-28. Review status: criteria provided, single submitter. Criteria: ACMG Guidelines, 2015. Collection method: clinical testing. Allele origin: germline.

Genome-Nilou Lab
Classification: Benign for Cardiac arrhythmia, ankyrin-B-related. Last evaluated: 2021-12-05. Review status: criteria provided, single submitter. Criteria: ACMG Guidelines, 2015. Collection method: clinical testing. Allele origin: germline. Affected: no.

Women's Health and Genetics/Laboratory Corporation of America, LabCorp
Classification: Benign. Last evaluated: 2020-07-20. Review status: criteria provided, single submitter. Criteria: LabCorp Variant Classification Summary - May 2015. Collection method: clinical testing. Allele origin: germline.
Comment: Variant summary: ANK2 c.2901-16C>G alters a non-conserved nucleotide located close to a canonical splice site and therefore could affect mRNA splicing, leading to a significantly altered protein sequence. 4/4 computational tools predict no significant impact on normal splicing. However, these predictions have yet to be confirmed by functional studies. The variant allele was found at a frequency of 0.0013 in 245354 control chromosomes, predominantly at a frequency of 0.01 within the South Asian subpopulation in the gnomAD database. The observed variant frequency within South Asian control individuals in the gnomAD database is approximately 1500-fold of the estimated maximal expected allele frequency for a pathogenic variant in ANK2 causing Long QT Syndrome phenotype (6.7e-06), strongly suggesting that the variant is a benign polymorphism found primarily in populations of South Asian origin. To our knowledge, no occurrence of c.2901-16C>G in individuals affected with Long QT Syndrome and no experimental evidence demonstrating its impact on protein function have been reported. No clinical diagnostic laboratories have submitted clinical-significance assessments for this variant to ClinVar after 2014. Based on the evidence outlined above, the variant was classified as benign.

GeneDx
Classification: Benign. Last evaluated: 2014-04-18. Review status: criteria provided, single submitter. Criteria: GeneDx Variant Classification (06012015). Collection method: clinical testing. Allele origin: germline. Affected: yes.
Comment: This variant is considered likely benign or benign based on one or more of the following criteria: it is a conservative change, it occurs at a poorly conserved position in the protein, it is predicted to be benign by multiple in silico algorithms, and/or has population frequency not consistent with disease.

NM_001148.6(ANK2):c.2901-16C>G

Gene: ANK2 (ankyrin 2; plus strand). Cytogenetic location: 4q26.
Variant type: single nucleotide variant.
Coding change: c.2901-16C>G on transcript NM_001148.6 (MANE Select); 16 bases into the intron before coding-DNA position 2901, C replaced by G.
Molecular consequence: intron variant.
Genome position (GRCh38, 1-based): chr4:113,330,230, C>G. VCF-style: chr4-113330230-C-G. GRCh37 (hg19) VCF-style: chr4-114251386-C-G.
Other names: c.2886-16C>G (NM_001386186.2, NM_001386148.2); c.2688-16C>G (NM_001354269.3); c.2865-16C>G (NM_001386187.2); c.2859-16C>G (NM_001386147.1, NM_001354261.2); c.2844-16C>G (NM_001386160.1); c.2850-16C>G (NM_001354254.2); c.2871-16C>G (NM_001354239.2, NM_001354252.2, NM_001354272.2); c.2835-16C>G (NM_001354244.2, NM_001354256.2, NM_001386161.1); and 23 more.
Identifiers: ClinVar variation 136389 (VCV000136389.13), dbSNP rs200750637, ClinGen allele CA289449.